The following is an entry in ClinVar:

NM_001378615.1(CC2D2A):c.3363C>A (p.Asn1121Lys)

Genes: CC2D2A (coiled-coil and C2 domain containing 2A; plus strand), FBXL5 (F-box and leucine rich repeat protein 5; minus strand). Cytogenetic location: 4p15.32.
Variant type: single nucleotide variant.
Coding change: c.3363C>A on transcript NM_001378615.1 (MANE Select); coding-DNA position 3363, C replaced by A.
Protein change: p.Asn1121Lys; replaces asparagine 1121 with lysine.
Molecular consequence: missense variant.
Genome position (GRCh38, 1-based): chr4:15,567,751, C>A. VCF-style: chr4-15567751-C-A. GRCh37 (hg19) VCF-style: chr4-15569374-C-A.
Other names: p.Asn1121Lys; c.3363C>A, p.Asn1121Lys (NM_001080522.2); c.3216C>A, p.Asn1072Lys (NM_001378617.1); short protein forms N1072K, N1121K.
Identifiers: ClinVar variation 1898012 (VCV001898012.5), dbSNP rs1260226165, ClinGen allele CA356419260.

ClinVar aggregate classification (germline): Uncertain significance. Review status: criteria provided, multiple submitters, no conflicts (2 of 4 stars). 4 submissions from 4 submitters: Uncertain significance (4). Last evaluated 2024-05-27.

Conditions:
Retinitis pigmentosa 93. Identifiers: MedGen C5676970, MONDO:0030797, OMIM 619845.
COACH syndrome 2. Identifiers: MedGen C5436837, MONDO:0030859, OMIM 619111.
Meckel syndrome, type 6. Identifiers: Orphanet 564, MedGen C2676790, MONDO:0012848, OMIM 612284.
Joubert syndrome 9 (JBTS9). Identifiers: Orphanet 2318, MedGen C2676788, MONDO:0012849, OMIM 612285.
Joubert syndrome. Also called: Familial aplasia of the vermis; JOUBERT-BOLTSHAUSER SYNDROME. Identifiers: Orphanet 475, MedGen C5979921, MONDO:0018772.
Meckel-Gruber syndrome. Also called: Dysencephalia splachnocystica; DYSENCEPHALIA SPLANCHNOCYSTICA; GRUBER SYNDROME. Identifiers: Orphanet 564, MedGen C0265215, MONDO:0018921.
Inborn genetic diseases. Identifiers: MedGen C0950123, MeSH D030342.

Allele frequency attached by ClinVar (database versions not stated): gnomAD 0.00001.
gnomAD v4.1: 4 of 1,600,860 alleles (0.00025%); highest among the groups gnomAD compares: Admixed American, 0.0054%; no homozygotes.

Submissions (4):

Fulgent Genetics
Classification: Uncertain significance for Meckel syndrome, type 6; Joubert syndrome 9; COACH syndrome 2; Retinitis pigmentosa 93. Last evaluated: 2024-05-27. Review status: criteria provided, single submitter. Criteria: ACMG Guidelines, 2015. Collection method: clinical testing. Allele origin: germline.

Mayo Clinic Laboratories, Mayo Clinic
Classification: Uncertain significance. Last evaluated: 2024-05-14. Review status: criteria provided, single submitter. Criteria: ACMG Guidelines, 2015. Collection method: clinical testing. Allele origin: germline. Observed: 1 variant allele.

Ambry Genetics
Classification: Uncertain significance for Inborn genetic diseases. Last evaluated: 2022-07-05. Review status: criteria provided, single submitter. Criteria: Ambry Variant Classification Scheme 2023. Collection method: clinical testing. Allele origin: germline.

Labcorp Genetics (formerly Invitae), Labcorp
Classification: Uncertain significance for Joubert syndrome; Meckel-Gruber syndrome. Last evaluated: 2022-07-05. Review status: criteria provided, single submitter. Criteria: Invitae Variant Classification Sherloc (09022015). Collection method: clinical testing. Allele origin: germline.
Comment: This sequence change replaces asparagine, which is neutral and polar, with lysine, which is basic and polar, at codon 1121 of the CC2D2A protein (p.Asn1121Lys). This variant is present in population databases (no rsID available, gnomAD 0.003%). This variant has not been reported in the literature in individuals affected with CC2D2A-related conditions. Advanced modeling of protein sequence and biophysical properties (such as structural, functional, and spatial information, amino acid conservation, physicochemical variation, residue mobility, and thermodynamic stability) performed at Invitae indicates that this missense variant is expected to disrupt CC2D2A protein function. In summary, the available evidence is currently insufficient to determine the role of this variant in disease. Therefore, it has been classified as a Variant of Uncertain Significance.